The following is an entry in ClinVar:

ClinVar aggregate classification (germline): Uncertain significance (0 of 4 stars; one submission).

Conditions:
KMT2C-related disorder. Also called: KMT2C-related disorders; KMT2C-related condition.

Submission:

PreventionGenetics, part of Exact Sciences
Classification: Uncertain significance for KMT2C-related condition. Last evaluated: 2024-06-13. Review status: no assertion criteria provided. Collection method: clinical testing. Allele origin: germline.
Comment: The KMT2C c.10940_10941delinsTA variant is predicted to result in an in-frame deletion and insertion. To our knowledge, this variant has not been reported in the literature or in a large population database, indicating this variant is rare. At this time, the clinical significance of this variant is uncertain due to the absence of conclusive functional and genetic evidence.

NM_170606.3(KMT2C):c.10940_10941delinsTA (p.Ser3647Ile)

Gene: KMT2C (lysine methyltransferase 2C; minus strand). Cytogenetic location: 7q36.1.
Variant type: Indel.
Coding change: c.10940_10941delinsTA on transcript NM_170606.3 (MANE Select); coding-DNA positions 10940 to 10941, GC replaced by TA.
Protein change: p.Ser3647Ile; replaces serine 3647 with isoleucine.
Molecular consequence: missense variant.
Genome position (GRCh38, 1-based): chr7:152,162,636-152,162,637, GC replaced by TA on the plus strand (GC replaced by TA on the coding strand, the reverse complement: KMT2C is on the minus strand). VCF-style: chr7-152162636-GC-TA. GRCh37 (hg19) VCF-style: chr7-151859721-GC-TA.
Other names: short protein forms S3647I.
Identifiers: ClinVar variation 3347298 (VCV003347298.1).
Genomic context (GRCh38, chr7:152,162,636, plus strand): 5'-GGATGGGCCGACTGGTTCCACCGACTCTTGGTCGGCTTGTTGAGGAAGCTCACTGGGTGT[GC>TA]TCACTGCAGGAGTAGAGGTAGTTTCTGAGATGCCTGGAGTCGGTGGGGCAGTTATATCTG-3'
Protein context (NP_733751.2, residues 3637-3657): ISETTSTPAV[Ser3647Ile]TPSELPQQAD